The following is an entry in ClinVar:

ClinVar aggregate classification (germline): Uncertain significance. Review status: criteria provided, multiple submitters, no conflicts (2 of 4 stars). 3 submissions from 3 submitters: Uncertain significance (3). Last evaluated 2025-11-05.

Conditions:
Hereditary cancer-predisposing syndrome. Also called: Tumor predisposition; Hereditary Cancer Syndrome; Neoplastic Syndromes, Hereditary; Hereditary neoplastic syndrome. Identifiers: Orphanet 140162, MedGen C0027672, MeSH D009386, MONDO:0015356.
Familial cancer of breast. Also called: Hereditary breast cancer; BREAST CANCER, FAMILIAL; hereditary breast carcinoma. Identifiers: Orphanet 227535, MedGen C0346153, MONDO:0016419, OMIM 114480. Disease mechanism: loss of function.
Fanconi anemia complementation group J. Also called: BRIP1-Related Fanconi Anemia. Identifiers: Orphanet 84, MedGen C1836860, MONDO:0012187, OMIM 609054.

Allele frequency attached by ClinVar (database versions not stated): gnomAD exomes below 0.00001 and 0.00001; ExAC 0.00002.

Submissions (3):

Labcorp Genetics (formerly Invitae), Labcorp
Classification: Uncertain significance for Familial cancer of breast; Fanconi anemia complementation group J. Last evaluated: 2025-11-05. Review status: criteria provided, single submitter. Criteria: Invitae Variant Classification Sherloc (09022015). Collection method: clinical testing. Allele origin: germline.
Comment: This sequence change replaces aspartic acid, which is acidic and polar, with glycine, which is neutral and non-polar, at codon 94 of the BRIP1 protein (p.Asp94Gly). This variant is present in population databases (rs529201896, gnomAD 0.01%). This variant has not been reported in the literature in individuals affected with BRIP1-related conditions. ClinVar contains an entry for this variant (Variation ID: 216794). Invitae Evidence Modeling of protein sequence and biophysical properties (such as structural, functional, and spatial information, amino acid conservation, physicochemical variation, residue mobility, and thermodynamic stability) indicates that this missense variant is not expected to disrupt BRIP1 protein function with a negative predictive value of 95%. In summary, the available evidence is currently insufficient to determine the role of this variant in disease. Therefore, it has been classified as a Variant of Uncertain Significance.

Ambry Genetics
Classification: Uncertain significance for Hereditary cancer-predisposing syndrome. Last evaluated: 2024-04-10. Review status: criteria provided, single submitter. Criteria: Ambry Variant Classification Scheme 2023. Collection method: clinical testing. Allele origin: germline.
Comment: The p.D94G variant (also known as c.281A>G), located in coding exon 3 of the BRIP1 gene, results from an A to G substitution at nucleotide position 281. The aspartic acid at codon 94 is replaced by glycine, an amino acid with similar properties. This amino acid position is conserved. In addition, this alteration is predicted to be tolerated by in silico analysis. Based on the available evidence, the clinical significance of this variant remains unclear.

Color Diagnostics, LLC DBA Color Health
Classification: Uncertain significance for Hereditary cancer-predisposing syndrome. Last evaluated: 2023-12-05. Review status: criteria provided, single submitter. Criteria: ACMG Guidelines, 2015. Collection method: clinical testing. Allele origin: germline.
Comment: This missense variant replaces aspartic acid with glycine at codon 94 of the BRIP1 protein. Computational prediction suggests that this variant may not impact protein structure and function (internally defined REVEL score threshold <= 0.5, PMID: 27666373). To our knowledge, functional studies have not been reported for this variant. This variant has not been reported in individuals affected with BRIP1-related disorders in the literature. This variant has been identified in 3/251454 chromosomes in the general population by the Genome Aggregation Database (gnomAD). The available evidence is insufficient to determine the role of this variant in disease conclusively. Therefore, this variant is classified as a Variant of Uncertain Significance.

NM_032043.3(BRIP1):c.281A>G (p.Asp94Gly)

Gene: BRIP1 (BRCA1 interacting DNA helicase 1; minus strand). Cytogenetic location: 17q23.2.
Variant type: single nucleotide variant.
Coding change: c.281A>G on transcript NM_032043.3 (MANE Select); coding-DNA position 281, A replaced by G.
Protein change: p.Asp94Gly; replaces aspartic acid 94 with glycine.
Molecular consequence: missense variant.
Genome position (GRCh38, 1-based): chr17:61,857,156, T>C on the plus strand (A>G on the coding strand, the complement: BRIP1 is on the minus strand). VCF-style: chr17-61857156-T-C. GRCh37 (hg19) VCF-style: chr17-59934517-T-C.
Other names: short protein forms D94G.
Identifiers: ClinVar variation 216794 (VCV000216794.15), dbSNP rs529201896, ClinGen allele CA337012.